The following is an entry in ClinVar:

NM_016734.3(PAX5):c.*15C>T

Gene: PAX5 (paired box 5; minus strand). Cytogenetic location: 9p13.2.
Variant type: single nucleotide variant.
Coding change: c.*15C>T on transcript NM_016734.3 (MANE Select); 15 bases downstream of the stop codon, C replaced by T.
Molecular consequence: 3 prime UTR variant. On other transcripts: missense variant (2), non-coding transcript variant (2).
Genome position (GRCh38, 1-based): chr9:36,840,545, G>A on the plus strand (C>T on the coding strand, the complement: PAX5 is on the minus strand). VCF-style: chr9-36840545-G-A. GRCh37 (hg19) VCF-style: chr9-36840542-G-A.
Other names: c.*15C>T (NM_001280547.2, NM_001280548.2, NM_001280551.2 and 5 more transcripts); c.959C>T, p.Ala320Val (NM_001280549.2); c.872C>T, p.Ala291Val (NM_001280550.2); short protein forms A320V, A291V.
Identifiers: ClinVar variation 133372 (VCV000133372.1), dbSNP rs587777963, ClinGen allele CA156462.

ClinVar aggregate classification (germline): not provided (0 of 4 stars; one submission).

Allele frequency attached by ClinVar (database versions not stated): gnomAD 0.00001 and 0.00002; gnomAD exomes 0.00001; TOPMed 0.00001; ExAC 0.00003.
gnomAD v4.1: 23 of 1,576,950 alleles (0.0015%); highest among the groups gnomAD compares: African/African-American, 0.004%; no homozygotes.

Submission:

ITMI
No classification provided. Condition: AllHighlyPenetrant. Last evaluated: 2013-09-19. Review status: no classification provided. Collection method: reference population. Allele origin: germline.
Comment: Please see associated publication for description of ethnicities

Literature cited by the submitters: PubMed 24728327.